The following is an entry in ClinVar:

ClinVar aggregate classification (germline): Uncertain significance (1 of 4 stars; one submission).

Conditions:
Inborn genetic diseases. Identifiers: MedGen C0950123, MeSH D030342.

Submission:

Ambry Genetics
Classification: Uncertain significance for Inborn genetic diseases. Last evaluated: 2025-09-20. Review status: criteria provided, single submitter. Criteria: Ambry Variant Classification Scheme 2023. Collection method: clinical testing. Allele origin: germline.
Comment: The p.K347R variant (also known as c.1040A>G), located in coding exon 6 of the ERCC6L2 gene, results from an A to G substitution at nucleotide position 1040. The lysine at codon 347 is replaced by arginine, an amino acid with highly similar properties. This amino acid position is conserved. In addition, the in silico prediction for this alteration is inconclusive. Based on the available evidence, the clinical significance of this variant remains unclear.

NM_020207.7(ERCC6L2):c.1040A>G (p.Lys347Arg)

Gene: ERCC6L2 (ERCC excision repair 6 like 2; plus strand). Cytogenetic location: 9q22.32.
Variant type: single nucleotide variant.
Coding change: c.1040A>G on transcript NM_020207.7 (MANE Select); coding-DNA position 1040, A replaced by G.
Protein change: p.Lys347Arg; replaces lysine 347 with arginine.
Molecular consequence: missense variant. On other transcripts: non-coding transcript variant (1).
Genome position (GRCh38, 1-based): chr9:95,916,316, A>G. VCF-style: chr9-95916316-A-G. GRCh37 (hg19) VCF-style: chr9-98678598-A-G.
Other names: c.1040A>G, p.Lys347Arg (NM_001010895.4, NM_001375291.1, NM_001375292.1 and 2 more transcripts); short protein forms K347R.
Identifiers: ClinVar variation 4618703 (VCV004618703.1).